The following is an entry in ClinVar:

GRCh37/hg19 22q11.21(chr22:21069073-21463730)x1

Genes: AIFM3 (AIF family member 3; plus strand), CRKL (CRK like proto-oncogene, adaptor protein; plus strand), LZTR1 (leucine zipper like post translational regulator 1; plus strand), P2RX6 (purinergic receptor P2X 6; plus strand), PI4KA (phosphatidylinositol 4-kinase alpha; minus strand) and 4 more. Cytogenetic location: 22q11.21.
Variant type: copy number loss.
Change: copy number 1 (one copy instead of two) of chr22:21,069,073-21,463,730 (394.7 kb, GRCh37 coordinates, 1-based), cytogenetic band 22q11.21.
Identifiers: ClinVar variation 929349 (VCV000929349.2).

ClinVar aggregate classification (germline): Likely pathogenic (1 of 4 stars; one submission).

Submission:

Clinical Genomics Laboratory, Laboratory for Precision Diagnostics, University of Washington
Classification: Likely pathogenic. Last evaluated: 2019-11-22. Review status: criteria provided, single submitter. Criteria: Clinical Cytogenomics Laboratory Policy on CNV Interpretation. Collection method: clinical testing. Allele origin: unknown. Affected: yes. Observed: 1 variant allele.
Comment: Reduced penetrance and variable expressivity

Literature cited by the submitters: PubMed 26278718; PubMed 31543904.